The following is an entry in ClinVar:

NM_031889.3(ENAM):c.2994G>T (p.Leu998=)

Gene: ENAM (enamelin; plus strand). Cytogenetic location: 4q13.3.
Variant type: single nucleotide variant.
Coding change: c.2994G>T on transcript NM_031889.3 (MANE Select); coding-DNA position 2994, G replaced by T.
Protein change: p.Leu998=; no amino-acid change (leucine 998 retained).
Molecular consequence: synonymous variant.
Genome position (GRCh38, 1-based): chr4:70,644,420, G>T. VCF-style: chr4-70644420-G-T. GRCh37 (hg19) VCF-style: chr4-71510137-G-T.
Other names: c.2340G>T, p.Leu780= (NM_001368133.1).
Identifiers: ClinVar variation 904266 (VCV000904266.28), dbSNP rs148122591, ClinGen allele CA2952387.
Genomic context (GRCh38, chr4:70,644,420, plus strand): 5'-TCAATCAAAGAATACACCTTGTCTCAAAAATGATCTTGGAGGAGATGGGAACAACATTCT[G>T]GAACAAGTTTTTGAAGACAACCAGCTCAATGAAAGAACTGTTGACCTTACTCCTGAGCAG-3'
Protein context (NP_114095.2, residues 988-1008): NDLGGDGNNI[Leu998=]EQVFEDNQLN

ClinVar aggregate classification (germline): Conflicting classifications of pathogenicity. Review status: criteria provided, conflicting classifications (1 of 4 stars). 2 submissions from 2 submitters: Uncertain significance (1); Likely benign (1). Last evaluated 2023-03-01.

Conditions:
Amelogenesis imperfecta (AI). Also called: Congenital enamel hypoplasia. Identifiers: Orphanet 88661, MedGen C0002452, MONDO:0019507, HP:0000705.

Allele frequency attached by ClinVar (database versions not stated): 1000 Genomes Project 0.00020; gnomAD exomes 0.00027; gnomAD 0.00028 and 0.00029; ExAC 0.00029; TOPMed 0.00030; 1000 Genomes Project 30x 0.00031; ESP Exome Variant Server 0.00031.
gnomAD v4.1: 411 of 1,614,150 alleles (0.025%); highest among the groups gnomAD compares: Non-Finnish European, 0.033%; 1 homozygote.

Submissions (2):

CeGaT Center for Human Genetics Tuebingen
Classification: Likely benign. Last evaluated: 2023-03-01. Review status: criteria provided, single submitter. Criteria: CeGaT Center For Human Genetics Tuebingen Variant Classification Criteria Version 2. Collection method: clinical testing. Allele origin: germline. Affected: yes. Observed: 1 variant allele.
Comment: ENAM: BP4, BP7

Illumina Laboratory Services, Illumina
Classification: Uncertain significance for Amelogenesis imperfecta. Last evaluated: 2018-01-12. Review status: criteria provided, single submitter. Criteria: ICSL Variant Classification Criteria 13 December 2019. Collection method: clinical testing. Allele origin: germline.